The following is an entry in ClinVar:

NM_203486.3(DLL3):c.712C>T (p.Arg238Ter)

Gene: DLL3 (delta like canonical Notch ligand 3; plus strand). Cytogenetic location: 19q13.2.
Variant type: single nucleotide variant.
Coding change: c.712C>T on transcript NM_203486.3 (MANE Select); coding-DNA position 712, C replaced by T.
Protein change: p.Arg238Ter; replaces arginine 238 with a stop codon.
Molecular consequence: nonsense.
Genome position (GRCh38, 1-based): chr19:39,504,130, C>T. VCF-style: chr19-39504130-C-T. GRCh37 (hg19) VCF-style: chr19-39994770-C-T.
Other names: c.712C>T, p.Arg238Ter (NM_016941.4); short protein forms R238*.
Identifiers: ClinVar variation 6833 (VCV000006833.13), dbSNP rs104894675, ClinGen allele CA253975.
Genomic context (GRCh38, chr19:39,504,130, plus strand): 5'-GTGGTGTGCCGAGCAGGCTGCAGCCCTGAGCATGGCTTCTGTGAACAGCCCGGTGAATGC[C>T]GATGCCTAGAGGGCTGGACTGGACCCCTCTGCACGGTCCCTGTCTCCACCAGCAGCTGCC-3'

ClinVar aggregate classification (germline): Pathogenic. Review status: criteria provided, multiple submitters, no conflicts (2 of 4 stars). 4 submissions from 4 submitters: Pathogenic (3). 1 of the submissions does not count toward it. Last evaluated 2025-12-25.

Conditions:
Spondylocostal dysostosis 1, autosomal recessive (SCDO1). Also called: DLL3-Related Spondylocostal Dysostosis, Autosomal Recessive. Identifiers: Orphanet 2311, MedGen CN032975, MONDO:0020692, OMIM 277300.

Allele frequency attached by ClinVar (database versions not stated): gnomAD exomes 0.00001 and 0.00003; ExAC 0.00004; TOPMed 0.00001; gnomAD 0.00001.
gnomAD v4.1: 14 of 1,612,900 alleles (0.00087%); highest among the groups gnomAD compares: Admixed American, 0.005%; no homozygotes.

Submissions (4):

Labcorp Genetics (formerly Invitae), Labcorp
Classification: Pathogenic. Last evaluated: 2025-12-25. Review status: criteria provided, single submitter. Criteria: Invitae Variant Classification Sherloc (09022015). Collection method: clinical testing. Allele origin: germline.
Comment: This sequence change creates a premature translational stop signal (p.Arg238*) in the DLL3 gene. It is expected to result in an absent or disrupted protein product. Loss-of-function variants in DLL3 are known to be pathogenic (PMID: 12746394). This variant is present in population databases (rs104894675, gnomAD 0.007%). This premature translational stop signal has been observed in individual(s) with spondylocostal dysostosis (PMID: 12791036). ClinVar contains an entry for this variant (Variation ID: 6833). For these reasons, this variant has been classified as Pathogenic.

GeneDx
Classification: Pathogenic. Last evaluated: 2021-09-07. Review status: criteria provided, single submitter. Criteria: GeneDx Variant Classification Process June 2021. Collection method: clinical testing. Allele origin: germline. Affected: yes.
Comment: Nonsense variant predicted to result in protein truncation or nonsense mediated decay in a gene for which loss-of-function is a known mechanism of disease; Observed with a second DLL3 variant in an individual with spondylocostal dysostosis in the published literature (Bonafe et al., 2003); This variant is associated with the following publications: (PMID: 12791036, 23496422, 17213840, 25525159)

Neuberg Centre For Genomic Medicine, NCGM
Classification: Pathogenic for Spondylocostal dysostosis 1, autosomal recessive. Review status: criteria provided, single submitter. Criteria: ACMG Guidelines, 2015. Collection method: clinical testing. Allele origin: germline. Inheritance: Autosomal recessive inheritance. Affected: yes.

OMIM
Classification: Pathogenic for SPONDYLOCOSTAL DYSOSTOSIS 1, AUTOSOMAL RECESSIVE. Last evaluated: 2003-07-01. Review status: no assertion criteria provided. Collection method: literature only. Allele origin: germline. Not counted in ClinVar's aggregate classification.

Literature cited by the submitters: PubMed 12746394 (cited by Labcorp Genetics (formerly Invitae), Labcorp); PubMed 12791036 (cited by Labcorp Genetics (formerly Invitae), Labcorp and OMIM).